The following is an entry in ClinVar:

NM_032793.5(MFSD2A):c.269G>A (p.Arg90Gln)

Gene: MFSD2A (MFSD2 lysolipid transporter A, lysophospholipid; plus strand). Cytogenetic location: 1p34.2.
Variant type: single nucleotide variant.
Coding change: c.269G>A on transcript NM_032793.5 (MANE Select); coding-DNA position 269, G replaced by A.
Protein change: p.Arg90Gln; replaces arginine 90 with glutamine.
Molecular consequence: missense variant. On other transcripts: 5 prime UTR variant (1), non-coding transcript variant (1), intron variant (1).
Genome position (GRCh38, 1-based): chr1:39,958,741, G>A. VCF-style: chr1-39958741-G-A. GRCh37 (hg19) VCF-style: chr1-40424413-G-A.
Other names: c.308G>A, p.Arg103Gln (NM_001136493.3); c.158G>A, p.Arg53Gln (NM_001287809.2); c.263G>A, p.Arg88Gln (NM_001349821.2); c.269G>A, p.Arg90Gln (NM_001349822.2); c.-77G>A (NM_001349823.2); c.-116+3356G>A (NM_001287808.2); short protein forms R103Q, R90Q, R53Q, R88Q.
Identifiers: ClinVar variation 2055087 (VCV002055087.5), dbSNP rs746291467, ClinGen allele CA788582.

ClinVar aggregate classification (germline): Uncertain significance. Review status: criteria provided, multiple submitters, no conflicts (2 of 4 stars). 2 submissions from 2 submitters: Uncertain significance (2). Last evaluated 2024-10-16.

Allele frequency attached by ClinVar (database versions not stated): gnomAD exomes 0.00001; ExAC 0.00001; gnomAD 0.00001; TOPMed 0.00001.

Submissions (2):

Labcorp Genetics (formerly Invitae), Labcorp
Classification: Uncertain significance. Last evaluated: 2024-10-16. Review status: criteria provided, single submitter. Criteria: Invitae Variant Classification Sherloc (09022015). Collection method: clinical testing. Allele origin: germline.
Comment: This sequence change replaces arginine, which is basic and polar, with glutamine, which is neutral and polar, at codon 103 of the MFSD2A protein (p.Arg103Gln). This variant is present in population databases (rs746291467, gnomAD 0.003%). This variant has not been reported in the literature in individuals affected with MFSD2A-related conditions. ClinVar contains an entry for this variant (Variation ID: 2055087). Invitae Evidence Modeling of protein sequence and biophysical properties (such as structural, functional, and spatial information, amino acid conservation, physicochemical variation, residue mobility, and thermodynamic stability) indicates that this missense variant is not expected to disrupt MFSD2A protein function with a negative predictive value of 80%. In summary, the available evidence is currently insufficient to determine the role of this variant in disease. Therefore, it has been classified as a Variant of Uncertain Significance.

Breakthrough Genomics
Classification: Uncertain significance. Review status: criteria provided, single submitter. Criteria: ACMG Guidelines, 2015. Collection method: not provided. Allele origin: germline. Inheritance: Autosomal recessive inheritance. Affected: yes.